The following is an entry in ClinVar:

ClinVar aggregate classification (germline): Uncertain significance (1 of 4 stars; one submission).

Submission:

Labcorp Genetics (formerly Invitae), Labcorp
Classification: Uncertain significance. Last evaluated: 2024-02-07. Review status: criteria provided, single submitter. Criteria: Invitae Variant Classification Sherloc (09022015). Collection method: clinical testing. Allele origin: germline.
Comment: This sequence change replaces cysteine, which is neutral and slightly polar, with arginine, which is basic and polar, at codon 1007 of the TAOK2 protein (p.Cys1007Arg). This variant is not present in population databases (gnomAD no frequency). This variant has not been reported in the literature in individuals affected with TAOK2-related conditions. An algorithm developed to predict the effect of missense changes on protein structure and function (PolyPhen-2) suggests that this variant is likely to be disruptive. In summary, the available evidence is currently insufficient to determine the role of this variant in disease. Therefore, it has been classified as a Variant of Uncertain Significance.

NM_016151.4(TAOK2):c.3019T>C (p.Cys1007Arg)

Gene: TAOK2 (TAO kinase 2; plus strand). Cytogenetic location: 16p11.2.
Variant type: single nucleotide variant.
Coding change: c.3019T>C on transcript NM_016151.4 (MANE Select); coding-DNA position 3019, T replaced by C.
Protein change: p.Cys1007Arg; replaces cysteine 1007 with arginine.
Molecular consequence: missense variant. On other transcripts: intron variant (1).
Genome position (GRCh38, 1-based): chr16:29,987,291, T>C. VCF-style: chr16-29987291-T-C. GRCh37 (hg19) VCF-style: chr16-29998612-T-C.
Other names: c.2680T>C, p.Cys894Arg (NM_001252043.2); c.2232+787T>C (NM_004783.4); short protein forms C1007R, C894R.
Identifiers: ClinVar variation 3621462 (VCV003621462.2).
Genomic context (GRCh38, chr16:29,987,291, plus strand): 5'-GCAGCGCTGCTGGCCCTTGAGGTGGGGCTGGTGGGTCTGGGGGCCTCCTACCTGCTCCTT[T>C]GTACAGCCCTGCACCTGCCCTCCAGTCTTTTCCTACTCCTGGCCCAGGGTACCGCACTGG-3'
Protein context (NP_057235.2, residues 997-1017): VGLGASYLLL[Cys1007Arg]TALHLPSSLF